The following is an entry in ClinVar:

ClinVar aggregate classification (germline): Uncertain significance. Review status: criteria provided, multiple submitters, no conflicts (2 of 4 stars). 2 submissions from 2 submitters: Uncertain significance (2). Last evaluated 2025-02-13.

Allele frequency attached by ClinVar (database versions not stated): gnomAD exomes 0.00001; ExAC 0.00002; TOPMed 0.00002; gnomAD 0.00003.

Submissions (2):

Labcorp Genetics (formerly Invitae), Labcorp
Classification: Uncertain significance. Last evaluated: 2025-02-13. Review status: criteria provided, single submitter. Criteria: Invitae Variant Classification Sherloc (09022015). Collection method: clinical testing. Allele origin: germline.
Comment: This sequence change replaces alanine, which is neutral and non-polar, with threonine, which is neutral and polar, at codon 103 of the BMP2 protein (p.Ala103Thr). This variant is present in population databases (rs754625577, gnomAD 0.009%). This variant has not been reported in the literature in individuals affected with BMP2-related conditions. ClinVar contains an entry for this variant (Variation ID: 2688671). An algorithm developed to predict the effect of missense changes on protein structure and function outputs the following: PolyPhen-2: "Benign". The threonine amino acid residue is found in multiple mammalian species, which suggests that this missense change does not adversely affect protein function. In summary, the available evidence is currently insufficient to determine the role of this variant in disease. Therefore, it has been classified as a Variant of Uncertain Significance.

Revvity Omics, Revvity
Classification: Uncertain significance. Last evaluated: 2023-02-02. Review status: criteria provided, single submitter. Criteria: ACMG Guidelines, 2015. Collection method: clinical testing. Allele origin: germline.

NM_001200.4(BMP2):c.307G>A (p.Ala103Thr)

Gene: BMP2 (bone morphogenetic protein 2; plus strand). Cytogenetic location: 20p12.3.
Variant type: single nucleotide variant.
Coding change: c.307G>A on transcript NM_001200.4 (MANE Select); coding-DNA position 307, G replaced by A.
Protein change: p.Ala103Thr; replaces alanine 103 with threonine.
Molecular consequence: missense variant.
Genome position (GRCh38, 1-based): chr20:6,770,433, G>A. VCF-style: chr20-6770433-G-A. GRCh37 (hg19) VCF-style: chr20-6751080-G-A.
Other names: short protein forms A103T.
Identifiers: ClinVar variation 2688671 (VCV002688671.3), dbSNP rs754625577, ClinGen allele CA9758642.